The following is an entry in ClinVar:

NM_004385.5(VCAN):c.3597C>G (p.Ile1199Met)

Gene: VCAN (versican; plus strand). Cytogenetic location: 5q14.3.
Variant type: single nucleotide variant.
Coding change: c.3597C>G on transcript NM_004385.5 (MANE Select); coding-DNA position 3597, C replaced by G.
Protein change: p.Ile1199Met; replaces isoleucine 1199 with methionine.
Molecular consequence: missense variant. On other transcripts: intron variant (2).
Genome position (GRCh38, 1-based): chr5:83,521,903, C>G. VCF-style: chr5-83521903-C-G. GRCh37 (hg19) VCF-style: chr5-82817722-C-G.
Other names: c.3597C>G, p.Ile1199Met (NM_001164098.2); c.1042+9507C>G (NM_001164097.2, NM_001126336.3); short protein forms I1199M.
Identifiers: ClinVar variation 2120379 (VCV002120379.4), dbSNP rs1287784350, ClinGen allele CA360306408.
Genomic context (GRCh38, chr5:83,521,903, plus strand): 5'-TTTAGGCTCAGGATTATTTGAAAAGCCCAAAGCCACAGAACTCATAGAATTTTCAACAAT[C>G]AAAGTCACAGTTCCAAGTGATATTACCACTGCCTTCAGTTCAGTAGACAGACTTCACACA-3'
Protein context (NP_004376.2, residues 1189-1209): KATELIEFST[Ile1199Met]KVTVPSDITT

ClinVar aggregate classification (germline): Uncertain significance (1 of 4 stars; one submission).

Allele frequency attached by ClinVar (database versions not stated): gnomAD exomes below 0.00001.
gnomAD v4.1: 1 of 1,614,174 alleles (0.000062%); highest among the groups gnomAD compares: East Asian, 0.0022%; no homozygotes.

Submission:

Labcorp Genetics (formerly Invitae), Labcorp
Classification: Uncertain significance. Last evaluated: 2025-04-21. Review status: criteria provided, single submitter. Criteria: Invitae Variant Classification Sherloc (09022015). Collection method: clinical testing. Allele origin: germline.
Comment: This sequence change replaces isoleucine, which is neutral and non-polar, with methionine, which is neutral and non-polar, at codon 1199 of the VCAN protein (p.Ile1199Met). This variant is present in population databases (no rsID available, gnomAD 0.006%). This variant has not been reported in the literature in individuals affected with VCAN-related conditions. ClinVar contains an entry for this variant (Variation ID: 2120379). An algorithm developed to predict the effect of missense changes on protein structure and function (PolyPhen-2) suggests that this variant is likely to be tolerated. In summary, the available evidence is currently insufficient to determine the role of this variant in disease. Therefore, it has been classified as a Variant of Uncertain Significance.